The following is an entry in ClinVar:

ClinVar aggregate classification (germline): Uncertain significance (1 of 4 stars; one submission).

Conditions:
Ehlers-Danlos syndrome, classic type, 1 (EDSCL1). Also called: EHLERS-DANLOS SYNDROME, GRAVIS TYPE; EHLERS-DANLOS SYNDROME, SEVERE CLASSIC TYPE; Ehlers-Danlos syndrome, type 1; Ehlers-Danlos Syndrome, Classic Type, COL5A1-Related; EDS I. Identifiers: MedGen C0268335, MONDO:0019567, OMIM 130000.

Submission:

Labcorp Genetics (formerly Invitae), Labcorp
Classification: Uncertain significance for Ehlers-Danlos syndrome, classic type, 1. Last evaluated: 2024-05-31. Review status: criteria provided, single submitter. Criteria: Invitae Variant Classification Sherloc (09022015). Collection method: clinical testing. Allele origin: germline.
Comment: This sequence change replaces aspartic acid, which is acidic and polar, with glycine, which is neutral and non-polar, at codon 244 of the COL5A2 protein (p.Asp244Gly). This variant is not present in population databases (gnomAD no frequency). This variant has not been reported in the literature in individuals affected with COL5A2-related conditions. Advanced modeling of protein sequence and biophysical properties (such as structural, functional, and spatial information, amino acid conservation, physicochemical variation, residue mobility, and thermodynamic stability) has been performed at Invitae for this missense variant, however the output from this modeling did not meet the statistical confidence thresholds required to predict the impact of this variant on COL5A2 protein function. In summary, the available evidence is currently insufficient to determine the role of this variant in disease. Therefore, it has been classified as a Variant of Uncertain Significance.

NM_000393.5(COL5A2):c.731A>G (p.Asp244Gly)

Gene: COL5A2 (collagen type V alpha 2 chain; minus strand). Cytogenetic location: 2q32.2.
Variant type: single nucleotide variant.
Coding change: c.731A>G on transcript NM_000393.5 (MANE Select); coding-DNA position 731, A replaced by G.
Protein change: p.Asp244Gly; replaces aspartic acid 244 with glycine.
Molecular consequence: missense variant.
Genome position (GRCh38, 1-based): chr2:189,085,732, T>C on the plus strand (A>G on the coding strand, the complement: COL5A2 is on the minus strand). VCF-style: chr2-189085732-T-C. GRCh37 (hg19) VCF-style: chr2-189950458-T-C.
Other names: short protein forms D244G.
Identifiers: ClinVar variation 3655194 (VCV003655194.2).